The following is an entry in ClinVar:

NM_005475.3(SH2B3):c.610A>G (p.Ser204Gly)

Gene: SH2B3 (SH2B adaptor protein 3; plus strand). Cytogenetic location: 12q24.12.
Variant type: single nucleotide variant.
Coding change: c.610A>G on transcript NM_005475.3 (MANE Select); coding-DNA position 610, A replaced by G.
Protein change: p.Ser204Gly; replaces serine 204 with glycine.
Molecular consequence: missense variant.
Genome position (GRCh38, 1-based): chr12:111,418,755, A>G. VCF-style: chr12-111418755-A-G. GRCh37 (hg19) VCF-style: chr12-111856559-A-G.
Other names: short protein forms S204G.
Identifiers: ClinVar variation 3795229 (VCV003795229.1).
Genomic context (GRCh38, chr12:111,418,755, plus strand): 5'-CCCTGGAGCCTGGCCCGGGAGCCGCCACCCGAGGCGCTGAAGGAGGCGGTGCTGCGCTAC[A>G]GCCTGGCCGACGAGGCCTCCATGGACAGCGGGGCACGCTGGCAGCGCGGGAGGCTGGCGC-3'
Protein context (NP_005466.1, residues 194-214): EALKEAVLRY[Ser204Gly]LADEASMDSG

ClinVar aggregate classification (germline): Uncertain significance (1 of 4 stars; one submission).

Conditions:
Inborn genetic diseases. Identifiers: MedGen C0950123, MeSH D030342.

gnomAD v4.1: 8 of 1,480,708 alleles (0.00054%); highest among the groups gnomAD compares: Non-Finnish European, 0.00071%; no homozygotes.

Submission:

Ambry Genetics
Classification: Uncertain significance for Inborn genetic diseases. Last evaluated: 2025-02-28. Review status: criteria provided, single submitter. Criteria: Ambry Variant Classification Scheme 2023. Collection method: clinical testing. Allele origin: germline.
Comment: The p.S204G variant (also known as c.610A>G), located in coding exon 1 of the SH2B3 gene, results from an A to G substitution at nucleotide position 610. The serine at codon 204 is replaced by glycine, an amino acid with similar properties. This amino acid position is conserved. In addition, this alteration is predicted to be tolerated by in silico analysis. Based on the available evidence, the clinical significance of this variant remains unclear.